The following is an entry in ClinVar:

ClinVar aggregate classification (germline): Pathogenic (0 of 4 stars; one submission).

Conditions:
Seizures, benign familial neonatal, 1. Also called: Benign Neonatal Epilepsy 1; KCNQ2-Related Benign Familial Neonatal Epilepsy; KCNQ2-Related Self-Limited Familial Neonatal Epilepsy (SLFNE); Seizures, benign neonatal, 1. Identifiers: Orphanet 1949, MedGen C3149074, MONDO:0007365, OMIM 121200.

Submission:

GeneReviews
Classification: Pathogenic for KCNQ2-Related Disorders. Last evaluated: 2010-04-27. Review status: no assertion criteria provided. Collection method: curation. Allele origin: unknown.
ClinVar note: Converted during submission from pathologic to Pathogenic.

nsv1197577

Genes: KCNQ2 (potassium voltage-gated channel subfamily Q member 2; minus strand), LOC125387319 (Sharpr-MPRA regulatory region 327; plus strand). Cytogenetic location: 20q13.33.
Variant type: Deletion.
Identifiers: ClinVar variation 42118 (VCV000042118.3).